The following is an entry in ClinVar:

ClinVar aggregate classification (germline): Uncertain significance (1 of 4 stars; one submission).

Submission:

GeneDx
Classification: Uncertain significance. Last evaluated: 2025-02-18. Review status: criteria provided, single submitter. Criteria: GeneDx Variant Classification Process June 2021. Collection method: clinical testing. Allele origin: germline. Affected: yes.
Comment: Not observed at significant frequency in large population cohorts (gnomAD); In silico analysis indicates that this missense variant does not alter protein structure/function; Has not been previously published as pathogenic or benign to our knowledge

NM_001382241.1(TNPO2):c.679C>T (p.Pro227Ser)

Gene: TNPO2 (transportin 2; minus strand). Cytogenetic location: 19p13.13.
Variant type: single nucleotide variant.
Coding change: c.679C>T on transcript NM_001382241.1 (MANE Select); coding-DNA position 679, C replaced by T.
Protein change: p.Pro227Ser; replaces proline 227 with serine.
Molecular consequence: missense variant. On other transcripts: non-coding transcript variant (6).
Genome position (GRCh38, 1-based): chr19:12,715,139, G>A on the plus strand (C>T on the coding strand, the complement: TNPO2 is on the minus strand). VCF-style: chr19-12715139-G-A. GRCh37 (hg19) VCF-style: chr19-12825953-G-A.
Other names: c.679C>T, p.Pro227Ser (NM_001136195.2, NM_001136196.2, NM_001382236.1 and 7 more transcripts); short protein forms P227S.
Identifiers: ClinVar variation 4076796 (VCV004076796.2).